The following is an entry in ClinVar:

ClinVar aggregate classification (germline): Likely pathogenic (1 of 4 stars; one submission).

Conditions:
Congenital hyperammonemia, type I. Also called: Carbamoyl phosphate synthetase 1 deficiency; Hyperammonemia due to carbamoyl phosphate synthetase 1 deficiency; CPS 1 deficiency; Carbamyl phosphate synthetase (CPS) deficiency; CPS I DEFICIENCY; Carbamoyl-phosphate synthase I deficiency. Identifiers: Orphanet 147, MedGen C4082171, MONDO:0009376, OMIM 237300.

Submission:

Myriad Genetics, Inc.
Classification: Likely pathogenic for Congenital hyperammonemia, type I. Last evaluated: 2022-01-21. Review status: criteria provided, single submitter. Criteria: Myriad Women's Health Autosomal Recessive and X-Linked Classification Criteria (2021). Collection method: clinical testing. Allele origin: unknown.
Comment: NM_001875.4(CPS1):c.460C>T(Q154*) is expected to be pathogenic in the context of carbamoylphosphate synthetase I deficiency. This variant is predicted to lead to an abnormal or absent protein product due to the creation of a premature termination codon in CPS1, a gene where loss-of-function variants are known to be pathogenic. Please note: this variant was assessed in the context of healthy population screening.

NM_001875.5(CPS1):c.460C>T (p.Gln154Ter)

Gene: CPS1 (carbamoyl-phosphate synthase 1; plus strand). Cytogenetic location: 2q34.
Variant type: single nucleotide variant.
Coding change: c.460C>T on transcript NM_001875.5 (MANE Select); coding-DNA position 460, C replaced by T.
Protein change: p.Gln154Ter; replaces glutamine 154 with a stop codon.
Molecular consequence: nonsense. On other transcripts: non-coding transcript variant (1).
Genome position (GRCh38, 1-based): chr2:210,577,499, C>T. VCF-style: chr2-210577499-C-T. GRCh37 (hg19) VCF-style: chr2-211442223-C-T.
Other names: c.460C>T, p.Gln154Ter (NM_001122633.3, NM_001369257.1); c.493C>T, p.Gln165Ter (NM_001369256.1); short protein forms Q154*, Q165*.
Identifiers: ClinVar variation 1723980 (VCV001723980.2), dbSNP rs2469088141, ClinGen allele CA350425227.
Genomic context (GRCh38, chr2:210,577,499, plus strand): 5'-CTGGATTATAGTAAAGACTACAACCACTGGCTGGCTACCAAGAGTTTAGGGCAATGGCTA[C>T]AGGAAGAAAAGGTAAGAAATGTAATAGGGCATCCATCATCACCTAAGGAAGGTTGAGAAG-3'